The following is an entry in ClinVar:

NM_198525.3(KIF7):c.2227C>T (p.Gln743Ter)

Gene: KIF7 (kinesin family member 7; minus strand). Cytogenetic location: 15q26.1.
Variant type: single nucleotide variant.
Coding change: c.2227C>T on transcript NM_198525.3 (MANE Select); coding-DNA position 2227, C replaced by T.
Protein change: p.Gln743Ter; replaces glutamine 743 with a stop codon.
Molecular consequence: nonsense.
Genome position (GRCh38, 1-based): chr15:89,642,370, G>A on the plus strand (C>T on the coding strand, the complement: KIF7 is on the minus strand). VCF-style: chr15-89642370-G-A. GRCh37 (hg19) VCF-style: chr15-90185601-G-A.
Other names: short protein forms Q743*.
Identifiers: ClinVar variation 2116256 (VCV002116256.4), dbSNP rs145324453, ClinGen allele CA393762429.
Genomic context (GRCh38, chr15:89,642,370, plus strand): 5'-GGCCTTCACTCAGCTCGGCCCGCACCTGCTCTGCCTCCTGCTCCAGCTCCCGGATACGCT[G>A]GCTGTGCTGGCGGTTCAGGGCCTGAGCTGCCTTTCCTGGAAGAAAGCGGGAATGTCAGCA-3'

ClinVar aggregate classification (germline): Pathogenic (1 of 4 stars; one submission).

Conditions:
Acrocallosal syndrome (ACLS). Also called: Schinzel syndrome 1; Absence of corpus callosum with unusual facial appearance, mental deficiency, duplication of the halluces and polydactyly; HALLUX DUPLICATION, POSTAXIAL POLYDACTYLY, AND ABSENCE OF CORPUS CALLOSUM. Identifiers: Orphanet 36, MedGen C0796147, MONDO:0008708, OMIM 200990.

Submission:

Labcorp Genetics (formerly Invitae), Labcorp
Classification: Pathogenic for Acrocallosal syndrome. Last evaluated: 2022-06-08. Review status: criteria provided, single submitter. Criteria: Invitae Variant Classification Sherloc (09022015). Collection method: clinical testing. Allele origin: germline.
Comment: This variant is not present in population databases (gnomAD no frequency). For these reasons, this variant has been classified as Pathogenic. This variant has not been reported in the literature in individuals affected with KIF7-related conditions. This sequence change creates a premature translational stop signal (p.Gln743*) in the KIF7 gene. It is expected to result in an absent or disrupted protein product. Loss-of-function variants in KIF7 are known to be pathogenic (PMID: 19666503, 21552264, 21633164, 26648833).

Literature cited by the submitters: PubMed 19666503; PubMed 21552264; PubMed 21633164; PubMed 26648833.